The following is an entry in ClinVar:

NM_000628.5(IL10RB):c.833T>G (p.Leu278Arg)

Genes: IL10RB (interleukin 10 receptor subunit beta; plus strand), IFNAR2-IL10RB (IFNAR2-IL10RB readthrough; plus strand). Cytogenetic location: 21q22.11.
Variant type: single nucleotide variant.
Coding change: c.833T>G on transcript NM_000628.5 (MANE Select); coding-DNA position 833, T replaced by G.
Protein change: p.Leu278Arg; replaces leucine 278 with arginine.
Molecular consequence: missense variant.
Genome position (GRCh38, 1-based): chr21:33,296,212, T>G. VCF-style: chr21-33296212-T-G. GRCh37 (hg19) VCF-style: chr21-34668517-T-G.
Other names: short protein forms L278R.
Identifiers: ClinVar variation 1053377 (VCV001053377.9), dbSNP rs781553501, ClinGen allele CA320107636.

ClinVar aggregate classification (germline): Uncertain significance (1 of 4 stars; one submission).

Conditions:
Inflammatory bowel disease 25. Also called: Inflammatory bowel disease 25, early onset, autosomal recessive. Identifiers: Orphanet 238569, MedGen C2675508, MONDO:0012941, OMIM 612567.

gnomAD v4.1: 11 of 1,614,102 alleles (0.00068%); highest among the groups gnomAD compares: Non-Finnish European, 0.00093%; no homozygotes.

Submission:

Labcorp Genetics (formerly Invitae), Labcorp
Classification: Uncertain significance for Inflammatory bowel disease 25. Last evaluated: 2022-06-19. Review status: criteria provided, single submitter. Criteria: Invitae Variant Classification Sherloc (09022015). Collection method: clinical testing. Allele origin: germline.
Comment: This sequence change replaces leucine, which is neutral and non-polar, with arginine, which is basic and polar, at codon 278 of the IL10RB protein (p.Leu278Arg). This variant is present in population databases (rs781553501, gnomAD 0.0009%). In summary, the available evidence is currently insufficient to determine the role of this variant in disease. Therefore, it has been classified as a Variant of Uncertain Significance. Algorithms developed to predict the effect of sequence changes on RNA splicing suggest that this variant may create or strengthen a splice site. Algorithms developed to predict the effect of missense changes on protein structure and function (SIFT, PolyPhen-2, Align-GVGD) all suggest that this variant is likely to be tolerated. ClinVar contains an entry for this variant (Variation ID: 1053377). This variant has not been reported in the literature in individuals affected with IL10RB-related conditions.